The following is an entry in ClinVar:

NM_005529.7(HSPG2):c.12874G>A (p.Glu4292Lys)

Genes: HSPG2 (heparan sulfate proteoglycan 2; minus strand), LDLRAD2 (low density lipoprotein receptor class A domain containing 2; plus strand). Cytogenetic location: 1p36.12.
Variant type: single nucleotide variant.
Coding change: c.12874G>A on transcript NM_005529.7 (MANE Select); coding-DNA position 12874, G replaced by A.
Protein change: p.Glu4292Lys; replaces glutamic acid 4292 with lysine.
Molecular consequence: missense variant. On other transcripts: 3 prime UTR variant (1).
Genome position (GRCh38, 1-based): chr1:21,824,146, C>T on the plus strand (G>A on the coding strand, the complement: HSPG2 is on the minus strand). VCF-style: chr1-21824146-C-T. GRCh37 (hg19) VCF-style: chr1-22150639-C-T.
Other names: c.12877G>A, p.Glu4293Lys (NM_001291860.2); c.*1931C>T (NM_001013693.3); short protein forms E4292K, E4293K.
Identifiers: ClinVar variation 199234 (VCV000199234.35), dbSNP rs141280063, ClinGen allele CA248339.
Genomic context (GRCh38, chr1:21,824,146, plus strand): 5'-GGGCCCCATCCCGAGTGCCCGGCAGGGTCCCTTACCGCAGTGCTGTCACCCGGTGCCACT[C>T]GCCGTCATTGATGGGGTCCTCAGAGACCAGGCGGGCCTCCCCACTACCCAGCTGGTACCT-3'
Protein context (NP_005520.4, residues 4282-4302): LVSEDPINDG[Glu4292Lys]WHRVTALREG

ClinVar aggregate classification (germline): Conflicting classifications of pathogenicity. Review status: criteria provided, conflicting classifications (1 of 4 stars). 9 submissions from 8 submitters: Uncertain significance (2); Benign (4); Likely benign (2). 1 of the submissions does not count toward it. Last evaluated 2025-11-03.

Conditions:
HSPG2-related disorder. Also called: HSPG2-related condition; HSPG2-related disorders.
Lethal Kniest-like syndrome (DDSH). Also called: Dyssegmental Dysplasia. Identifiers: Orphanet 1865, MedGen C1857100, MONDO:0009140, OMIM 224410.
Schwartz-Jampel syndrome. Also called: Myotonic myopathy dwarfism chondrodystrophy and ocular and facial abnormalities. Identifiers: Orphanet 800, MedGen C0036391, MONDO:0009717.

Allele frequency attached by ClinVar (database versions not stated): ESP Exome Variant Server 0.00038; 1000 Genomes Project 30x 0.00047; TOPMed 0.00049; 1000 Genomes Project 0.00060; gnomAD exomes 0.00098 and 0.00139; ExAC 0.00120; gnomAD 0.00127 and 0.00135.
gnomAD v4.1: 1,601 of 1,613,548 alleles (0.099%); highest among the groups gnomAD compares: Non-Finnish European, 0.076%; 2 homozygotes.

Submissions (9):

Labcorp Genetics (formerly Invitae), Labcorp
Classification: Benign. Last evaluated: 2025-11-03. Review status: criteria provided, single submitter. Criteria: Invitae Variant Classification Sherloc (09022015). Collection method: clinical testing. Allele origin: germline.

Athena Diagnostics
Classification: Benign. Last evaluated: 2025-10-14. Review status: criteria provided, single submitter. Criteria: Athena Diagnostics Criteria. Collection method: clinical testing. Allele origin: unknown.
Comment: The frequency of this variant in the general population is higher than would generally be expected for pathogenic variants in this gene.

Blueprint Genetics
Classification: Likely benign. Last evaluated: 2024-09-20. Review status: criteria provided, single submitter. Criteria: ACMG Guidelines, 2015. Collection method: clinical testing. Allele origin: germline.

GeneDx
Classification: Likely benign. Last evaluated: 2019-12-24. Review status: criteria provided, single submitter. Criteria: GeneDx Variant Classification Process June 2021. Collection method: clinical testing. Allele origin: germline. Affected: yes.
Comment: This variant is associated with the following publications: (PMID: 30753492, 25504735)

ARUP Laboratories, Molecular Genetics and Genomics, ARUP Laboratories
Classification: Uncertain significance. Last evaluated: 2019-08-02. Review status: criteria provided, single submitter. Criteria: ARUP Molecular Germline Variant Investigation Process. Collection method: clinical testing. Allele origin: germline.
Comment: The HSPG2 c.12874G>A; p.Glu4292Lys variant (rs141280063) is reported in the literature in an individual with idiopathic scoliosis (Baschal 2014), though, to our knowledge, it has not been described in association with a congenital skeletal dysplasia. This variant is found in the Finnish European population with an overall allele frequency of 0.98% (243/24858 alleles) in the Genome Aggregation Database. The glutamate at codon 4292 is weakly conserved and computational analyses (SIFT: tolerate, PolyPhen-2: damaging) predict conflicting effects of this variant on protein structure/function. However, given the lack of clinical and functional data, the significance of the p.Glu4292Lys variant is uncertain at this time. References: Baschal EE et al. Exome sequencing identifies a rare HSPG2 variant associated with familial idiopathic scoliosis. G3 (Bethesda). 2014 Dec 12;5(2):167-74

Illumina Laboratory Services, Illumina
Classification: Benign for Lethal Kniest-like syndrome. Last evaluated: 2017-04-27. Review status: criteria provided, single submitter. Criteria: ICSL Variant Classification Criteria 13 December 2019. Collection method: clinical testing. Allele origin: germline.
Comment: This variant was observed as part of a predisposition screen in an ostensibly healthy population. A literature search was performed for the gene, cDNA change, and amino acid change (where applicable). Publications were found based on this search. The evidence from the literature, in combination with allele frequency data from public databases where available, was sufficient to rule this variant out of causing disease. Therefore, this variant is classified as benign.

Illumina Laboratory Services, Illumina
Classification: Benign for Schwartz-Jampel syndrome type 1. Last evaluated: 2017-04-27. Review status: criteria provided, single submitter. Criteria: ICSL Variant Classification Criteria 13 December 2019. Collection method: clinical testing. Allele origin: germline.
Comment: the same text as in the submission from Illumina Laboratory Services, Illumina above.

Eurofins Ntd Llc (ga)
Classification: Uncertain significance. Last evaluated: 2014-06-23. Review status: criteria provided, single submitter. Criteria: EGL Classification Definitions 2015. Collection method: clinical testing. Allele origin: germline. Observed: 2 variant alleles, 2 heterozygotes.

PreventionGenetics, part of Exact Sciences
Classification: Benign for HSPG2-related condition. Last evaluated: 2019-10-31. Review status: no assertion criteria provided. Collection method: clinical testing. Allele origin: germline. Not counted in ClinVar's aggregate classification.
Comment: This variant is classified as benign based on ACMG/AMP sequence variant interpretation guidelines (Richards et al. 2015 PMID: 25741868, with internal and published modifications).

Literature cited by the submitters: PubMed 30753492 (cited by Athena Diagnostics); PubMed 24828792 (cited by Athena Diagnostics); PubMed 39035772 (cited by Athena Diagnostics); PubMed 25504735 (cited by Athena Diagnostics and Illumina Laboratory Services, Illumina).